The following is an entry in ClinVar:

ClinVar aggregate classification (germline): Likely benign. Review status: criteria provided, multiple submitters, no conflicts (2 of 4 stars). 4 submissions from 3 submitters: Likely benign (3). 1 of the submissions does not count toward it. Last evaluated 2023-11-04.

Conditions:
Retinitis pigmentosa 39 (RP39). Identifiers: Orphanet 791, MedGen C3151138, MONDO:0013436, OMIM 613809.
Usher syndrome type 2A. Also called: RETINAL DISEASE IN USHER SYNDROME TYPE IIA, MODIFIER OF; USHER SYNDROME, TYPE IIA. Identifiers: Orphanet 231178, Orphanet 886, MedGen C1848634, MONDO:0010169, OMIM 276901.

Allele frequency attached by ClinVar (database versions not stated): gnomAD 0.00001; TOPMed 0.00001.
gnomAD v4.1: 1 of 1,613,902 alleles (0.000062%); highest among the groups gnomAD compares: African/African-American, 0.0013%; no homozygotes.

Submissions (4):

Genome-Nilou Lab
Classification: Likely benign for Retinitis pigmentosa 39. Last evaluated: 2023-11-04. Review status: criteria provided, single submitter. Criteria: ACMG Guidelines, 2015. Collection method: clinical testing. Allele origin: germline. Affected: no.

Genome-Nilou Lab
Classification: Likely benign for Usher syndrome type 2A. Last evaluated: 2023-11-04. Review status: criteria provided, single submitter. Criteria: ACMG Guidelines, 2015. Collection method: clinical testing. Allele origin: germline. Affected: no.

Laboratory for Molecular Medicine, Mass General Brigham Personalized Medicine
Classification: Likely benign. Last evaluated: 2014-10-02. Review status: criteria provided, single submitter. Criteria: LMM Criteria. Collection method: clinical testing. Allele origin: germline. Observed: 1 variant allele.
Comment: Leu2755Leu in exon 42 of USH2A: This variant is not expected to have clinical si gnificance because it does not alter an amino acid residue and is not located wi thin the splice consensus sequence.

Counsyl
Classification: Likely benign for Usher syndrome type 2A; Retinitis pigmentosa 39. Last evaluated: 2017-12-14. Review status: no assertion criteria provided. Collection method: clinical testing. Allele origin: unknown. Not counted in ClinVar's aggregate classification.

NM_206933.4(USH2A):c.8265T>C (p.Leu2755=)

Gene: USH2A (usherin; minus strand). Cytogenetic location: 1q41.
Variant type: single nucleotide variant.
Coding change: c.8265T>C on transcript NM_206933.4 (MANE Select); coding-DNA position 8265, T replaced by C.
Protein change: p.Leu2755=; no amino-acid change (leucine 2755 retained).
Molecular consequence: synonymous variant.
Genome position (GRCh38, 1-based): chr1:215,879,057, A>G on the plus strand (T>C on the coding strand, the complement: USH2A is on the minus strand). VCF-style: chr1-215879057-A-G. GRCh37 (hg19) VCF-style: chr1-216052399-A-G.
Identifiers: ClinVar variation 179998 (VCV000179998.7), dbSNP rs727505274, ClinGen allele CA185601.